The following is an entry in ClinVar:

NC_000017.11:g.(?_43057046)_(43074527_?)del

Gene: BRCA1 (BRCA1 DNA repair associated; minus strand). Cytogenetic location: 17q21.31.
Variant type: Deletion.
Identifiers: ClinVar variation 531567 (VCV000531567.1).

ClinVar aggregate classification (germline): Pathogenic (1 of 4 stars; one submission).

Conditions:
Hereditary breast ovarian cancer syndrome. Also called: Hereditary breast and ovarian cancer syndrome (HBOC); BRCA1- and BRCA2-Associated Hereditary Breast and Ovarian Cancer; Hereditary breast and ovarian cancer syndrome; Breast and ovarian cancer; Hereditary breast and ovarian cancer; Hereditary breast and/or ovarian cancer syndrome. Identifiers: Orphanet 145, MedGen C0677776, MeSH D061325, MONDO:0003582. Disease mechanism: loss of function.

Submission:

Labcorp Genetics (formerly Invitae), Labcorp
Classification: Pathogenic for Hereditary breast and ovarian cancer syndrome. Last evaluated: 2018-02-25. Review status: criteria provided, single submitter. Criteria: Invitae Variant Classification Sherloc (09022015). Collection method: clinical testing. Allele origin: germline.
Comment: This variant is an out-of-frame deletion of the genomic region encompassing exons 14-19 of the BRCA1 gene. This is expected to create a premature translational stop signal and result in an absent or disrupted protein product. Deletion of exons 14-19 has been reported in a family affected with breast and/or ovarian cancer (PMID: 15162129). Loss-of-function variants in BRCA1 are known to be pathogenic (PMID: 20104584). For these reasons, this variant has been classified as Pathogenic.

Literature cited by the submitters: PubMed 15162129.